The following is an entry in ClinVar:

ClinVar aggregate classification (germline): Uncertain significance. Review status: criteria provided, multiple submitters, no conflicts (2 of 4 stars). 3 submissions from 3 submitters: Uncertain significance (3). Last evaluated 2026-01-27.

Conditions:
Inborn genetic diseases. Identifiers: MedGen C0950123, MeSH D030342.

gnomAD v4.1: 45 of 1,534,246 alleles (0.0029%); highest among the groups gnomAD compares: African/African-American, 0.029%; no homozygotes.

Submissions (3):

Labcorp Genetics (formerly Invitae), Labcorp
Classification: Uncertain significance. Last evaluated: 2026-01-27. Review status: criteria provided, single submitter. Criteria: Invitae Variant Classification Sherloc (09022015). Collection method: clinical testing. Allele origin: germline.
Comment: This sequence change replaces glycine, which is neutral and non-polar, with valine, which is neutral and non-polar, at codon 1414 of the DCHS1 protein (p.Gly1414Val). The frequency data for this variant in the population databases is considered unreliable, as metrics indicate poor data quality at this position in the gnomAD database. This variant has not been reported in the literature in individuals affected with DCHS1-related conditions. ClinVar contains an entry for this variant (Variation ID: 1223557). Invitae Evidence Modeling of protein sequence and biophysical properties (such as structural, functional, and spatial information, amino acid conservation, physicochemical variation, residue mobility, and thermodynamic stability) indicates that this missense variant is not expected to disrupt DCHS1 protein function with a negative predictive value of 95%. In summary, the available evidence is currently insufficient to determine the role of this variant in disease. Therefore, it has been classified as a Variant of Uncertain Significance.

Ambry Genetics
Classification: Uncertain significance for Inborn genetic diseases. Last evaluated: 2025-06-29. Review status: criteria provided, single submitter. Criteria: Ambry Variant Classification Scheme 2023. Collection method: clinical testing. Allele origin: germline.

GeneDx
Classification: Uncertain significance. Last evaluated: 2021-06-29. Review status: criteria provided, single submitter. Criteria: GeneDx Variant Classification Process June 2021. Collection method: clinical testing. Allele origin: germline. Affected: yes.
Comment: In silico analysis supports that this missense variant does not alter protein structure/function; Has not been previously published as pathogenic or benign to our knowledge; This variant is associated with the following publications: (PMID: 27535533)

NM_003737.4(DCHS1):c.4241G>T (p.Gly1414Val)

Gene: DCHS1 (dachsous cadherin-related 1; minus strand). Cytogenetic location: 11p15.4.
Variant type: single nucleotide variant.
Coding change: c.4241G>T on transcript NM_003737.4 (MANE Select); coding-DNA position 4241, G replaced by T.
Protein change: p.Gly1414Val; replaces glycine 1414 with valine.
Molecular consequence: missense variant.
Genome position (GRCh38, 1-based): chr11:6,630,553, C>A on the plus strand (G>T on the coding strand, the complement: DCHS1 is on the minus strand). VCF-style: chr11-6630553-C-A. GRCh37 (hg19) VCF-style: chr11-6651784-C-A.
Other names: c.4241G>T (NM_003737.2); short protein forms G1414V.
Identifiers: ClinVar variation 1223557 (VCV001223557.12), dbSNP rs996667091, ClinGen allele CA217298928.